The following is an entry in ClinVar:

ClinVar aggregate classification (germline): Uncertain significance (1 of 4 stars; one submission).

Allele frequency attached by ClinVar (database versions not stated): TOPMed 0.00001.
gnomAD v4.1: 1 of 1,614,178 alleles (0.000062%); highest among the groups gnomAD compares: Non-Finnish European, 0.000085%; no homozygotes.

Submission:

Ambry Genetics
Classification: Uncertain significance. Last evaluated: 2022-09-04. Review status: criteria provided, single submitter. Criteria: Ambry Variant Classification Scheme 2023. Collection method: clinical testing. Allele origin: germline.
Comment: The p.Q318H variant (also known as c.954A>C), located in coding exon 2 of the PALLD gene, results from an A to C substitution at nucleotide position 954. The glutamine at codon 318 is replaced by histidine, an amino acid with highly similar properties. This amino acid position is conserved. In addition, this alteration is predicted to be tolerated by in silico analysis. Since supporting evidence is limited at this time, the clinical significance of this alteration remains unclear.

NM_001166108.2(PALLD):c.954A>C (p.Gln318His)

Gene: PALLD (palladin, cytoskeletal associated protein; plus strand). Cytogenetic location: 4q32.3.
Variant type: single nucleotide variant.
Coding change: c.954A>C on transcript NM_001166108.2 (MANE Select); coding-DNA position 954, A replaced by C.
Protein change: p.Gln318His; replaces glutamine 318 with histidine.
Molecular consequence: missense variant. On other transcripts: 5 prime UTR variant (1).
Genome position (GRCh38, 1-based): chr4:168,668,235, A>C. VCF-style: chr4-168668235-A-C. GRCh37 (hg19) VCF-style: chr4-169589386-A-C.
Other names: c.-193A>C (NM_001166109.2); c.954A>C, p.Gln318His (NM_016081.4); short protein forms Q318H.
Identifiers: ClinVar variation 1767322 (VCV001767322.2), dbSNP rs780809542, ClinGen allele CA110492532.